The following is an entry in ClinVar:

NM_005720.4(ARPC1B):c.170-8C>T

Gene: ARPC1B (actin related protein 2/3 complex subunit 1B; plus strand). Cytogenetic location: 7q22.1.
Variant type: single nucleotide variant.
Coding change: c.170-8C>T on transcript NM_005720.4 (MANE Select); 8 bases into the intron before coding-DNA position 170, C replaced by T.
Molecular consequence: intron variant.
Genome position (GRCh38, 1-based): chr7:99,388,031, C>T. VCF-style: chr7-99388031-C-T. GRCh37 (hg19) VCF-style: chr7-98985654-C-T.
Other names: p.?.
Identifiers: ClinVar variation 1550734 (VCV001550734.9), dbSNP rs769898022, ClinGen allele CA4363937.
Genomic context (GRCh38, chr7:99,388,031, plus strand): 5'-GTGGCCACCATACAGCCACCTCTGCCTGAGTGTCATCAGCCTCCTGTGTTCCCTCCATCC[C>T]CCCACAGGCATCGACTGGGCCCCCGAGAGTAACCGTATTGTGACCTGCGGCACAGACCGC-3'

ClinVar aggregate classification (germline): Likely benign. Review status: criteria provided, multiple submitters, no conflicts (2 of 4 stars). 2 submissions from 2 submitters: Likely benign (2). Last evaluated 2026-02-04.

Allele frequency attached by ClinVar (database versions not stated): gnomAD 0.00002; gnomAD exomes 0.00002 and 0.00012; TOPMed 0.00006; ExAC 0.00010.
gnomAD v4.1: 36 of 1,578,790 alleles (0.0023%); highest among the groups gnomAD compares: Admixed American, 0.06%; 1 homozygote.

Submissions (2):

Labcorp Genetics (formerly Invitae), Labcorp
Classification: Likely benign. Last evaluated: 2026-02-04. Review status: criteria provided, single submitter. Criteria: Invitae Variant Classification Sherloc (09022015). Collection method: clinical testing. Allele origin: germline.

Mayo Clinic Laboratories, Mayo Clinic
Classification: Likely benign. Last evaluated: 2024-11-12. Review status: criteria provided, single submitter. Criteria: ACMG Guidelines, 2015. Collection method: clinical testing. Allele origin: germline. Observed: 1 variant allele.
Comment: BP4, BP7